The following is an entry in ClinVar:

NM_001330260.2(SCN8A):c.632T>G (p.Val211Gly)

Gene: SCN8A (sodium voltage-gated channel alpha subunit 8; plus strand). Cytogenetic location: 12q13.13.
Variant type: single nucleotide variant.
Coding change: c.632T>G on transcript NM_001330260.2 (MANE Select); coding-DNA position 632, T replaced by G.
Protein change: p.Val211Gly; replaces valine 211 with glycine.
Molecular consequence: missense variant. On other transcripts: intron variant (2).
Genome position (GRCh38, 1-based): chr12:51,689,022, T>G. VCF-style: chr12-51689022-T-G. GRCh37 (hg19) VCF-style: chr12-52082806-T-G.
Other names: c.632T>G, p.Val211Gly (NM_001369788.1); c.706+173T>G (NM_014191.4, NM_001177984.3); c.632T>G (NM_001330260.1); short protein forms V211G.
Identifiers: ClinVar variation 1399415 (VCV001399415.9), dbSNP rs1592380834, ClinGen allele CA385224433.

ClinVar aggregate classification (germline): Pathogenic (1 of 4 stars; one submission).

Conditions:
Early-infantile DEE. Also called: Ohtahara syndrome; Early infantile epileptic encephalopathy with suppression bursts; Early infantile epileptic encephalopathy. Identifiers: Orphanet 1934, MedGen C0393706, MONDO:0800491.
Seizures, benign familial infantile, 5 (BFIS5). Also called: CONVULSIONS, BENIGN FAMILIAL INFANTILE, 5. Identifiers: Orphanet 306, MedGen C4310728, MONDO:0014903, OMIM 617080.
Developmental and epileptic encephalopathy, 13 (DEE13). Also called: Developmental and Epileptic Encephalopathy (SCN8A-DEE); Early infantile epileptic encephalopathy 13; SCN8A-Related Epilepsy. Identifiers: Orphanet 442835, MedGen C3281191, MONDO:0013801, OMIM 614558.
Myoclonus, familial, 2. Identifiers: MedGen C5193056, MONDO:0100092, OMIM 618364.

Submission:

Labcorp Genetics (formerly Invitae), Labcorp
Classification: Pathogenic for Early-infantile DEE. Last evaluated: 2021-07-05. Review status: criteria provided, single submitter. Criteria: Invitae Variant Classification Sherloc (09022015). Collection method: clinical testing. Allele origin: germline.
Comment: This sequence change replaces valine with glycine at codon 211 of the SCN8A protein (p.Val211Gly). The SCN8A gene has multiple clinically relevant transcripts. This variant occurs in alternate transcript NM_001330260.1, and corresponds to NM_014191.3:c.706+173T>G in the primary transcript. This variant is not present in population databases (ExAC no frequency). This missense change has been observed in individual(s) with clinical features of early infantile epileptic encephalopathy (Invitae). In at least one individual the variant was observed to be de novo. Experimental studies and prediction algorithms are not available or were not evaluated, and the functional significance of this variant is currently unknown. This variant disrupts the p.Val211 (p.Val9 in the literature) amino acid residue in SCN8A. Other variant(s) that disrupt this residue have been determined to be pathogenic (PMID: 30951195). This suggests that this residue is clinically significant, and that variants that disrupt this residue are likely to be disease-causing. For these reasons, this variant has been classified as Pathogenic.

Literature cited by the submitters: PubMed 30951195 (cited by Labcorp Genetics (formerly Invitae), Labcorp).